The following is an entry in ClinVar:

ClinVar aggregate classification (germline): Uncertain significance (1 of 4 stars; one submission).

Conditions:
Inborn genetic diseases. Identifiers: MedGen C0950123, MeSH D030342.

Submission:

Ambry Genetics
Classification: Uncertain significance for Inborn genetic diseases. Last evaluated: 2025-10-26. Review status: criteria provided, single submitter. Criteria: Ambry Variant Classification Scheme 2023. Collection method: clinical testing. Allele origin: germline.
Comment: The p.L289V variant (also known as c.865C>G), located in coding exon 7 of the FANCG gene, results from a C to G substitution at nucleotide position 865. The leucine at codon 289 is replaced by valine, an amino acid with highly similar properties. This amino acid position is conserved. In addition, this alteration is predicted to be tolerated by in silico analysis. Based on the available evidence, the clinical significance of this variant remains unclear.

NM_004629.2(FANCG):c.865C>G (p.Leu289Val)

Gene: FANCG (FA complementation group G; minus strand). Cytogenetic location: 9p13.3.
Variant type: single nucleotide variant.
Coding change: c.865C>G on transcript NM_004629.2 (MANE Select); coding-DNA position 865, C replaced by G.
Protein change: p.Leu289Val; replaces leucine 289 with valine.
Molecular consequence: missense variant.
Genome position (GRCh38, 1-based): chr9:35,076,783, G>C on the plus strand (C>G on the coding strand, the complement: FANCG is on the minus strand). VCF-style: chr9-35076783-G-C. GRCh37 (hg19) VCF-style: chr9-35076780-G-C.
Other names: short protein forms L289V.
Identifiers: ClinVar variation 4619378 (VCV004619378.1).